The following is an entry in ClinVar:

ClinVar aggregate classification (germline): Uncertain significance (1 of 4 stars; one submission).

Conditions:
Myopathy, centronuclear, 2 (CNM2). Also called: MYOTUBULAR MYOPATHY, AUTOSOMAL RECESSIVE. Identifiers: Orphanet 169186, MedGen CN031787, MONDO:0009709, OMIM 255200.

Submission:

Labcorp Genetics (formerly Invitae), Labcorp
Classification: Uncertain significance for Myopathy, centronuclear, 2. Last evaluated: 2021-05-30. Review status: criteria provided, single submitter. Criteria: Invitae Variant Classification Sherloc (09022015). Collection method: clinical testing. Allele origin: germline.
Comment: This sequence change replaces glutamine with lysine at codon 558 of the BIN1 protein (p.Gln558Lys). The glutamine residue is highly conserved and there is a small physicochemical difference between glutamine and lysine. In summary, the available evidence is currently insufficient to determine the role of this variant in disease. Therefore, it has been classified as a Variant of Uncertain Significance. Algorithms developed to predict the effect of missense changes on protein structure and function are either unavailable or do not agree on the potential impact of this missense change (SIFT: "Tolerated"; PolyPhen-2: "Possibly Damaging"; Align-GVGD: "Class C0"). This variant has not been reported in the literature in individuals with BIN1-related conditions. This variant is not present in population databases (ExAC no frequency).

NM_139343.3(BIN1):c.1672C>A (p.Gln558Lys)

Gene: BIN1 (bridging integrator 1; minus strand). Cytogenetic location: 2q14.3.
Variant type: single nucleotide variant.
Coding change: c.1672C>A on transcript NM_139343.3 (MANE Select); coding-DNA position 1672, C replaced by A.
Protein change: p.Gln558Lys; replaces glutamine 558 with lysine.
Molecular consequence: missense variant.
Genome position (GRCh38, 1-based): chr2:127,050,423, G>T on the plus strand (C>A on the coding strand, the complement: BIN1 is on the minus strand). VCF-style: chr2-127050423-G-T. GRCh37 (hg19) VCF-style: chr2-127807999-G-T.
Other names: c.1165C>A, p.Gln389Lys (NM_001320632.2); c.1303C>A, p.Gln435Lys (NM_001320633.2); c.1048C>A, p.Gln350Lys (NM_001320634.1); c.1432C>A, p.Gln478Lys (NM_001320640.2); c.1579C>A, p.Gln527Lys (NM_001320641.2); c.1591C>A, p.Gln531Lys (NM_001320642.1); c.1255C>A, p.Gln419Lys (NM_004305.4); c.1543C>A, p.Gln515Lys (NM_139344.3); and 7 more; short protein forms Q440K, Q447K, Q471K, Q374K, Q435K, Q515K, Q350K, Q389K.
Identifiers: ClinVar variation 1398238 (VCV001398238.8), dbSNP rs1682762039, ClinGen allele CA348373916.